The following is an entry in ClinVar:

ClinVar aggregate classification (germline): Benign/Likely benign. Review status: criteria provided, multiple submitters, no conflicts (2 of 4 stars). 11 submissions from 11 submitters: Benign (6); Likely benign (1). 4 of the submissions do not count toward it. Last evaluated 2026-02-04.

Conditions:
Metachromatic leukodystrophy (MLD). Also called: METACHROMATIC LEUKOENCEPHALOPATHY; SULFATIDE LIPIDOSIS; ARSA DEFICIENCY; CEREBROSIDE SULFATASE DEFICIENCY; Cerebral sclerosis diffuse metachromatic form; Arylsulfatase A Deficiency. Identifiers: Orphanet 512, MedGen C0023522, MONDO:0018868, OMIM 250100.

Allele frequency attached by ClinVar (database versions not stated): 1000 Genomes Project 0.02815; 1000 Genomes Project 30x 0.03123; gnomAD exomes 0.03389; ExAC 0.03440; TOPMed 0.03890; gnomAD 0.04013; ESP Exome Variant Server 0.04283.

Submissions (11):

Labcorp Genetics (formerly Invitae), Labcorp
Classification: Benign for Metachromatic leukodystrophy. Last evaluated: 2026-02-04. Review status: criteria provided, single submitter. Criteria: Invitae Variant Classification Sherloc (09022015). Collection method: clinical testing. Allele origin: germline.

Blueprint Genetics
Classification: Likely benign. Last evaluated: 2024-11-28. Review status: criteria provided, single submitter. Criteria: ACMG Guidelines, 2015. Collection method: clinical testing. Allele origin: germline.

Illumina Laboratory Services, Illumina
Classification: Benign for Metachromatic leukodystrophy. Last evaluated: 2018-01-13. Review status: criteria provided, single submitter. Criteria: ICSL Variant Classification Criteria 13 December 2019. Collection method: clinical testing. Allele origin: germline.
Comment: This variant was observed in the ICSL laboratory as part of a predisposition screen in an ostensibly healthy population. It had not been previously curated by ICSL or reported in the Human Gene Mutation Database (HGMD: prior to June 1st, 2018), and was therefore a candidate for classification through an automated scoring system. Utilizing variant allele frequency, disease prevalence and penetrance estimates, and inheritance mode, an automated score was calculated to assess if this variant is too frequent to cause the disease. Based on the score and internal cut-off values, a variant classified as benign is not then subjected to further curation. The score for this variant resulted in a classification of benign for this disease.

GeneDx
Classification: Benign. Last evaluated: 2015-03-03. Review status: criteria provided, single submitter. Criteria: GeneDx Variant Classification Process June 2021. Collection method: clinical testing. Allele origin: germline. Affected: yes.

Eurofins Ntd Llc (ga)
Classification: Benign. Last evaluated: 2013-09-24. Review status: criteria provided, single submitter. Criteria: EGL Classification Definitions 2015. Collection method: clinical testing. Allele origin: germline. Observed: 9 variant alleles, 9 heterozygotes.

Breakthrough Genomics
Classification: Benign. Review status: criteria provided, single submitter. Criteria: ACMG Guidelines, 2015. Collection method: not provided. Allele origin: germline. Inheritance: Autosomal recessive inheritance. Affected: yes.

PreventionGenetics, part of Exact Sciences
Classification: Benign. Review status: criteria provided, single submitter. Criteria: ACMG Guidelines, 2015. Collection method: clinical testing. Allele origin: germline.

Natera, Inc.
Classification: Benign for Metachromatic leukodystrophy. Last evaluated: 2020-09-16. Review status: no assertion criteria provided. Collection method: clinical testing. Allele origin: germline. Not counted in ClinVar's aggregate classification.

Mayo Clinic Laboratories, Mayo Clinic
Classification: Likely benign. Last evaluated: 2017-04-18. Review status: no assertion criteria provided. Collection method: clinical testing. Allele origin: unknown. Not counted in ClinVar's aggregate classification.

Clinical Genetics, Academic Medical Center
Classification: Benign. Review status: no assertion criteria provided. Collection method: clinical testing. Allele origin: germline. Affected: yes. Study: VKGL Data-share Consensus. Not counted in ClinVar's aggregate classification.

Genome Diagnostics Laboratory, University Medical Center Utrecht
Classification: Benign. Review status: no assertion criteria provided. Collection method: clinical testing. Allele origin: germline. Affected: yes. Study: VKGL Data-share Consensus. Not counted in ClinVar's aggregate classification.

NM_000487.6(ARSA):c.1149C>T (p.Asp383=)

Gene: ARSA (arylsulfatase A; minus strand). Cytogenetic location: 22q13.33.
Variant type: single nucleotide variant.
Coding change: c.1149C>T on transcript NM_000487.6 (MANE Select); coding-DNA position 1149, C replaced by T.
Protein change: p.Asp383=; no amino-acid change (aspartic acid 383 retained).
Molecular consequence: synonymous variant.
Genome position (GRCh38, 1-based): chr22:50,625,640, G>A on the plus strand (C>T on the coding strand, the complement: ARSA is on the minus strand). VCF-style: chr22-50625640-G-A. GRCh37 (hg19) VCF-style: chr22-51064068-G-A.
Other names: c.1149C>T, p.Asp383= (NM_001085425.3, NM_001085426.3, NM_001085427.3); c.891C>T, p.Asp297= (NM_001085428.3, NM_001362782.2).
Identifiers: ClinVar variation 93117 (VCV000093117.26), dbSNP rs6151425, ClinGen allele CA146666.
Genomic context (GRCh38, chr22:50,625,640, plus strand): 5'-CTGGGTGAAGAAGTGAGCCTTGTACTTTCCAGTCCGCACAGCAAAAACCCCACGGACCTC[G>A]TCTGGGTAGGACGGGTAGAAGAAGAGAGACTGCCGAGGGCTCTGGGGGCAGAGTCAGGGG-3'
Protein context (NP_000478.3, residues 373-393): QSLFFYPSYP[Asp383=]EVRGVFAVRT